The following is an entry in ClinVar:

NM_004655.4(AXIN2):c.598G>A (p.Val200Met)

Gene: AXIN2 (axin 2; minus strand). Cytogenetic location: 17q24.1.
Variant type: single nucleotide variant.
Coding change: c.598G>A on transcript NM_004655.4 (MANE Select); coding-DNA position 598, G replaced by A.
Protein change: p.Val200Met; replaces valine 200 with methionine.
Molecular consequence: missense variant.
Genome position (GRCh38, 1-based): chr17:65,558,023, C>T on the plus strand (G>A on the coding strand, the complement: AXIN2 is on the minus strand). VCF-style: chr17-65558023-C-T. GRCh37 (hg19) VCF-style: chr17-63554141-C-T.
Other names: c.598G>A (LRG_296t1); c.598G>A, p.Val200Met (NM_001363813.1); short protein forms V200M.
Identifiers: ClinVar variation 240026 (VCV000240026.23), dbSNP rs752081909, ClinGen allele CA8719025.
Genomic context (GRCh38, chr17:65,558,023, plus strand): 5'-CCTTTAGGCTCCCGAGTCCCCCATTACTCATGTAAGCTGTGTTTTCTCCCCCACTCCTCA[C>T]ATATTCGAGGTATATATCAGAAGTCAAAAACATCTGGTAGGCATTTTCCTCCATCACCGA-3'
Protein context (NP_004646.3, residues 190-210): FLTSDIYLEY[Val200Met]RSGGENTAYM

ClinVar aggregate classification (germline): Conflicting classifications of pathogenicity. Review status: criteria provided, conflicting classifications (1 of 4 stars). 6 submissions from 6 submitters: Uncertain significance (4); Likely benign (1). 1 of the submissions does not count toward it. Last evaluated 2026-01-11.

Conditions:
AXIN2-related disorder.
Hereditary cancer-predisposing syndrome. Also called: Neoplastic Syndromes, Hereditary; Hereditary neoplastic syndrome; Tumor predisposition; Hereditary Cancer Syndrome. Identifiers: Orphanet 140162, MedGen C0027672, MeSH D009386, MONDO:0015356.
Oligodontia-cancer predisposition syndrome. Also called: TOOTH AGENESIS-COLORECTAL CANCER SYNDROME. Identifiers: Orphanet 300576, MedGen C1837750, MONDO:0012075, OMIM 608615. Disease mechanism: loss of function.

Allele frequency attached by ClinVar (database versions not stated): gnomAD 0.00001; gnomAD exomes 0.00001 and 0.00002; TOPMed 0.00001; ExAC 0.00002.
gnomAD v4.1: 36 of 1,614,084 alleles (0.0022%); highest among the groups gnomAD compares: Non-Finnish European, 0.0028%; no homozygotes.

Submissions (6):

Labcorp Genetics (formerly Invitae), Labcorp
Classification: Uncertain significance for Oligodontia-cancer predisposition syndrome. Last evaluated: 2026-01-11. Review status: criteria provided, single submitter. Criteria: Invitae Variant Classification Sherloc (09022015). Collection method: clinical testing. Allele origin: germline.
Comment: This sequence change replaces valine, which is neutral and non-polar, with methionine, which is neutral and non-polar, at codon 200 of the AXIN2 protein (p.Val200Met). This variant is present in population databases (rs752081909, gnomAD 0.003%). This variant has not been reported in the literature in individuals affected with AXIN2-related conditions. ClinVar contains an entry for this variant (Variation ID: 240026). Invitae Evidence Modeling of protein sequence and biophysical properties (such as structural, functional, and spatial information, amino acid conservation, physicochemical variation, residue mobility, and thermodynamic stability) indicates that this missense variant is not expected to disrupt AXIN2 protein function with a negative predictive value of 80%. In summary, the available evidence is currently insufficient to determine the role of this variant in disease. Therefore, it has been classified as a Variant of Uncertain Significance.

Ambry Genetics
Classification: Uncertain significance for Hereditary cancer-predisposing syndrome. Last evaluated: 2024-09-26. Review status: criteria provided, single submitter. Criteria: Ambry Variant Classification Scheme 2023. Collection method: clinical testing. Allele origin: germline.
Comment: The p.V200M variant (also known as c.598G>A), located in coding exon 1 of the AXIN2 gene, results from a G to A substitution at nucleotide position 598. The valine at codon 200 is replaced by methionine, an amino acid with highly similar properties. This amino acid position is well conserved in available vertebrate species. In addition, this alteration is predicted to be tolerated by in silico analysis. Since supporting evidence is limited at this time, the clinical significance of this alteration remains unclear.

GeneDx
Classification: Uncertain significance. Last evaluated: 2023-07-31. Review status: criteria provided, single submitter. Criteria: GeneDx Variant Classification Process June 2021. Collection method: clinical testing. Allele origin: germline. Affected: yes.
Comment: Not observed at significant frequency in large population cohorts (gnomAD); In silico analysis supports that this missense variant does not alter protein structure/function; Has not been previously published as pathogenic or benign to our knowledge; This variant is associated with the following publications: (PMID: 15735151)

Sema4
Classification: Uncertain significance for Hereditary cancer-predisposing syndrome. Last evaluated: 2022-03-05. Review status: criteria provided, single submitter. Criteria: Sema4 Curation Guidelines. Collection method: curation. Allele origin: germline.
Comment: The AXIN2 c.598G>A (p.V200M) variant has not been reported in the literature to our knowledge. It was observed in 3/113754 chromosomes in the Non-Finnish European population according to the Genome Aggregation Database (PMID: 32461654). This variant has been reported in ClinVar (Variation ID: 240026). Functional studies have not been performed, and in silico predictions of the variant's effect on protein function are inconclusive. The evidence is insufficient to meet ACMG/AMP criteria for classifying the variant as benign or pathogenic. Thus, the clinical significance of this variant is currently uncertain.

Illumina Laboratory Services, Illumina
Classification: Likely benign for Oligodontia-cancer predisposition syndrome. Last evaluated: 2018-01-13. Review status: criteria provided, single submitter. Criteria: ICSL Variant Classification Criteria 13 December 2019. Collection method: clinical testing. Allele origin: germline.
Comment: This variant was observed in the ICSL laboratory as part of a predisposition screen in an ostensibly healthy population. It had not been previously curated by ICSL or reported in the Human Gene Mutation Database (HGMD: prior to June 1st, 2018), and was therefore a candidate for classification through an automated scoring system. Utilizing variant allele frequency, disease prevalence and penetrance estimates, and inheritance mode, an automated score was calculated to assess if this variant is too frequent to cause the disease. Based on the score and internal cut-off values, a variant classified as likely benign is not then subjected to further curation. The score for this variant resulted in a classification of likely benign for this disease.

PreventionGenetics, part of Exact Sciences
Classification: Uncertain significance for AXIN2-related condition. Last evaluated: 2024-01-02. Review status: no assertion criteria provided. Collection method: clinical testing. Allele origin: germline. Not counted in ClinVar's aggregate classification.
Comment: The AXIN2 c.598G>A variant is predicted to result in the amino acid substitution p.Val200Met. To our knowledge, this variant has not been reported in the literature. This variant is reported in 0.0026% of alleles in individuals of European (Non-Finnish) descent in gnomAD and has been reported in the ClinVar database as variant of uncertain significance. At this time, the clinical significance of this variant is uncertain due to the absence of conclusive functional and genetic evidence.